The following is an entry in ClinVar:

NM_006516.4(SLC2A1):c.417C>T (p.Phe139=)

Gene: SLC2A1 (solute carrier family 2 member 1; minus strand). Cytogenetic location: 1p34.2.
Variant type: single nucleotide variant.
Coding change: c.417C>T on transcript NM_006516.4 (MANE Select); coding-DNA position 417, C replaced by T.
Protein change: p.Phe139=; no amino-acid change (phenylalanine 139 retained).
Molecular consequence: synonymous variant.
Genome position (GRCh38, 1-based): chr1:42,930,725, G>A on the plus strand (C>T on the coding strand, the complement: SLC2A1 is on the minus strand). VCF-style: chr1-42930725-G-A. GRCh37 (hg19) VCF-style: chr1-43396396-G-A.
Other names: p.F139F:TTC>TTT; p.Phe139=; c.417C>T (NM_006516.3).
Identifiers: ClinVar variation 95412 (VCV000095412.32), dbSNP rs144538918, ClinGen allele CA019185.

ClinVar aggregate classification (germline): Benign/Likely benign. Review status: criteria provided, multiple submitters, no conflicts (2 of 4 stars). 16 submissions from 11 submitters: Benign (14); Likely benign (1). 1 of the submissions does not count toward it. Last evaluated 2026-01-28.

Conditions:
Encephalopathy due to GLUT1 deficiency. Also called: GLUCOSE TRANSPORT DEFECT, BLOOD-BRAIN BARRIER; Classic Glucose Transporter Type 1 Deficiency Syndrome; De Vivo disease; GLUT1 deficiency syndrome 1; Glucose transporter protein syndrome; GLUT1 deficiency syndrome 1, infantile onset, severe. Identifiers: Orphanet 71277, MedGen C4551966, MONDO:0011724, OMIM 606777.
Inborn genetic diseases. Identifiers: MedGen C0950123, MeSH D030342.
Hereditary cryohydrocytosis with reduced stomatin. Also called: Stomatin-deficient cryohydrocytosis with neurologic defects; GLUT1 DEFICIENCY SYNDROME WITH PSEUDOHYPERKALEMIA AND HEMOLYSIS. Identifiers: Orphanet 168577, MedGen C1837206, MONDO:0012143, OMIM 608885.
Dystonia 9 (DYT9). Also called: CHOREOATHETOSIS, KINESIGENIC, WITH EPISODIC ATAXIA AND SPASTICITY. Identifiers: Orphanet 53583, MedGen C1832855, MONDO:0010983, OMIM 601042.
Epilepsy, idiopathic generalized, susceptibility to, 12 (EIG12). Identifiers: MedGen C3553859, MONDO:0013919, OMIM 614847.
Childhood onset GLUT1 deficiency syndrome 2. Also called: Exertion-induced paroxysmal dyskinesia; PED WITH OR WITHOUT EPILEPSY AND/OR HEMOLYTIC ANEMIA; PAROXYSMAL EXERCISE-INDUCED DYSKINESIA WITH OR WITHOUT EPILEPSY AND/OR HEMOLYTIC ANEMIA; PAROXYSMAL EXERTION-INDUCED DYSTONIA WITH OR WITHOUT EPILEPSY AND/OR HEMOLYTIC ANEMIA; Paroxysmal exercise-induced dystonia; GLUT1 deficiency syndrome 2. Identifiers: Orphanet 98811, MedGen C1842534, MONDO:0012805, OMIM 612126.
GLUT1 deficiency syndrome 1, autosomal recessive. Identifiers: MedGen C3149117.

Allele frequency attached by ClinVar (database versions not stated): gnomAD exomes 0.00050 and 0.00130; ExAC 0.00163; ESP Exome Variant Server 0.00431; gnomAD 0.00493 and 0.00517; TOPMed 0.00558; 1000 Genomes Project 0.00879; 1000 Genomes Project 30x 0.00890.
gnomAD v4.1: 1,521 of 1,611,942 alleles (0.094%); highest among the groups gnomAD compares: African/African-American, 1.6%; 10 homozygotes.

Submissions (16):

Labcorp Genetics (formerly Invitae), Labcorp
Classification: Benign for GLUT1 deficiency syndrome 1, autosomal recessive. Last evaluated: 2026-01-28. Review status: criteria provided, single submitter. Criteria: Invitae Variant Classification Sherloc (09022015). Collection method: clinical testing. Allele origin: germline.

Blueprint Genetics
Classification: Likely benign. Last evaluated: 2024-11-13. Review status: criteria provided, single submitter. Criteria: ACMG Guidelines, 2015. Collection method: clinical testing. Allele origin: germline.

Genome-Nilou Lab
Classification: Benign for Epilepsy, idiopathic generalized, susceptibility to, 12. Last evaluated: 2023-04-11. Review status: criteria provided, single submitter. Criteria: ACMG Guidelines, 2015. Collection method: clinical testing. Allele origin: germline. Affected: no.

Genome-Nilou Lab
Classification: Benign for Dystonia 9. Last evaluated: 2023-04-11. Review status: criteria provided, single submitter. Criteria: ACMG Guidelines, 2015. Collection method: clinical testing. Allele origin: germline. Affected: no.

Genome-Nilou Lab
Classification: Benign for Encephalopathy due to GLUT1 deficiency. Last evaluated: 2023-04-11. Review status: criteria provided, single submitter. Criteria: ACMG Guidelines, 2015. Collection method: clinical testing. Allele origin: germline. Affected: no.

Genome-Nilou Lab
Classification: Benign for Childhood onset GLUT1 deficiency syndrome 2. Last evaluated: 2023-04-11. Review status: criteria provided, single submitter. Criteria: ACMG Guidelines, 2015. Collection method: clinical testing. Allele origin: germline. Affected: no.

Genome-Nilou Lab
Classification: Benign for Hereditary cryohydrocytosis with reduced stomatin. Last evaluated: 2023-04-11. Review status: criteria provided, single submitter. Criteria: ACMG Guidelines, 2015. Collection method: clinical testing. Allele origin: germline. Affected: no.

Mayo Clinic Laboratories, Mayo Clinic
Classification: Benign. Last evaluated: 2021-09-21. Review status: criteria provided, single submitter. Criteria: ACMG Guidelines, 2015. Collection method: clinical testing. Allele origin: germline. Observed: 28 variant alleles.

Athena Diagnostics
Classification: Benign. Last evaluated: 2019-01-29. Review status: criteria provided, single submitter. Criteria: Athena Diagnostics Criteria. Collection method: clinical testing. Allele origin: germline.

Illumina Laboratory Services, Illumina
Classification: Benign for Dystonia 9. Last evaluated: 2018-01-13. Review status: criteria provided, single submitter. Criteria: ICSL Variant Classification Criteria 13 December 2019. Collection method: clinical testing. Allele origin: germline.
Comment: This variant was observed in the ICSL laboratory as part of a predisposition screen in an ostensibly healthy population. It had not been previously curated by ICSL or reported in the Human Gene Mutation Database (HGMD: prior to June 1st, 2018), and was therefore a candidate for classification through an automated scoring system. Utilizing variant allele frequency, disease prevalence and penetrance estimates, and inheritance mode, an automated score was calculated to assess if this variant is too frequent to cause the disease. Based on the score and internal cut-off values, a variant classified as benign is not then subjected to further curation. The score for this variant resulted in a classification of benign for this disease.

Illumina Laboratory Services, Illumina
Classification: Benign for Encephalopathy due to GLUT1 deficiency. Last evaluated: 2018-01-13. Review status: criteria provided, single submitter. Criteria: ICSL Variant Classification Criteria 13 December 2019. Collection method: clinical testing. Allele origin: germline.
Comment: the same text as in the submission from Illumina Laboratory Services, Illumina above.

Ambry Genetics
Classification: Benign for Inborn genetic diseases. Last evaluated: 2016-03-18. Review status: criteria provided, single submitter. Criteria: Ambry Variant Classification Scheme 2023. Collection method: clinical testing. Allele origin: germline.

Eurofins Ntd Llc (ga)
Classification: Benign. Last evaluated: 2013-05-22. Review status: criteria provided, single submitter. Criteria: EGL Classification Definitions 2015. Collection method: clinical testing. Allele origin: germline. Observed: 1 variant allele, 1 heterozygote.

GeneDx
Classification: Benign. Last evaluated: 2013-04-18. Review status: criteria provided, single submitter. Criteria: GeneDx Variant Classification (06012015). Collection method: clinical testing. Allele origin: germline. Affected: yes.
Comment: This variant is considered likely benign or benign based on one or more of the following criteria: it is a conservative change, it occurs at a poorly conserved position in the protein, it is predicted to be benign by multiple in silico algorithms, and/or has population frequency not consistent with disease.

Breakthrough Genomics
Classification: Benign. Review status: criteria provided, single submitter. Criteria: ACMG Guidelines, 2015. Collection method: not provided. Allele origin: germline. Inheritance: Autosomal dominant inheritance. Affected: yes.

Genetic Services Laboratory, University of Chicago
Classification: Likely benign. Review status: no assertion criteria provided. Collection method: clinical testing. Allele origin: germline. Inheritance: Autosomal dominant inheritance. Not counted in ClinVar's aggregate classification.
Comment: Likely benign based on allele frequency in 1000 Genomes Project or ESP global frequency and its presence in a patient with a rare or unrelated disease phenotype. NOT Sanger confirmed